The following is an entry in ClinVar:

NM_000038.6(APC):c.2853T>G (p.Tyr951Ter)

Gene: APC (APC regulator of Wnt signaling pathway; plus strand). Cytogenetic location: 5q22.2.
Variant type: single nucleotide variant.
Coding change: c.2853T>G on transcript NM_000038.6 (MANE Select); coding-DNA position 2853, T replaced by G.
Protein change: p.Tyr951Ter; replaces tyrosine 951 with a stop codon.
Molecular consequence: nonsense.
Genome position (GRCh38, 1-based): chr5:112,838,447, T>G. VCF-style: chr5-112838447-T-G. GRCh37 (hg19) VCF-style: chr5-112174144-T-G.
Other names: c.2853T>G (NM_000038.5); c.2853T>G, p.Tyr951Ter (NM_001127510.3, NM_001354895.2); c.2799T>G, p.Tyr933Ter (NM_001127511.3); c.2907T>G, p.Tyr969Ter (NM_001354896.2); c.2883T>G, p.Tyr961Ter (NM_001354897.2); c.2778T>G, p.Tyr926Ter (NM_001354898.2); c.2769T>G, p.Tyr923Ter (NM_001354899.2); c.2730T>G, p.Tyr910Ter (NM_001354900.2); and 6 more; short protein forms Y923*, Y961*, Y969*, Y668*, Y850*, Y910*, Y926*, Y951*.
Identifiers: ClinVar variation 1452409 (VCV001452409.9), dbSNP rs575406600, ClinGen allele CA16027554.

ClinVar aggregate classification (germline): Pathogenic. Review status: criteria provided, multiple submitters, no conflicts (2 of 4 stars). 2 submissions from 2 submitters: Pathogenic (2). Last evaluated 2025-03-26.

Conditions:
Hereditary cancer-predisposing syndrome. Also called: Tumor predisposition; Neoplastic Syndromes, Hereditary; Hereditary Cancer Syndrome; Hereditary neoplastic syndrome. Identifiers: Orphanet 140162, MedGen C0027672, MeSH D009386, MONDO:0015356.
Familial adenomatous polyposis 1 (FAP1). Also called: POLYPOSIS, ADENOMATOUS INTESTINAL; FAMILIAL ADENOMATOUS POLYPOSIS 1, ATTENUATED. Identifiers: MedGen C2713442, MONDO:0021056, OMIM 175100. Disease mechanism: loss of function.

Submissions (2):

Ambry Genetics
Classification: Pathogenic for Hereditary cancer-predisposing syndrome. Last evaluated: 2025-03-26. Review status: criteria provided, single submitter. Criteria: Ambry Variant Classification Scheme 2023. Collection method: clinical testing. Allele origin: germline.
Comment: The p.Y951* pathogenic mutation (also known as c.2853T>G), located in coding exon 15 of the APC gene, results from a T to G substitution at nucleotide position 2853. This changes the amino acid from a tyrosine to a stop codon within coding exon 15. This alteration occurs at the 3' terminus of the APC gene, is not expected to trigger nonsense-mediated mRNA decay, and impacts the last 67% of the protein. However, premature stop codons are typically deleterious in nature and a significant portion of the protein is affected (Ambry internal data). This variant was reported in individual(s) with features consistent with familial adenomatous polyposis/ attenuated familial polyposis (Friedl W et al. Hered Cancer Clin Pract. 2005 Sep;3:95-114; Plawski A et al. J Appl Genet. 2008;49:407-14 Kim B et al. BMC Med Genomics 2019 Jul;12:103). This variant is considered to be rare based on population cohorts in the Genome Aggregation Database (gnomAD). Based on the supporting evidence, this variant is interpreted as a disease-causing mutation.

Labcorp Genetics (formerly Invitae), Labcorp
Classification: Pathogenic for Familial adenomatous polyposis 1. Last evaluated: 2021-02-18. Review status: criteria provided, single submitter. Criteria: Invitae Variant Classification Sherloc (09022015). Collection method: clinical testing. Allele origin: germline.
Comment: This variant disrupts the C-terminus of the APC protein. Other variant(s) that disrupt this region (p.Tyr2645Lysfs*14) have been determined to be pathogenic (PMID: 9824584, 1316610, 27081525, 8381579, 22135120, Invitae). This suggests that variants that disrupt this region of the protein are likely to be causative of disease. This variant is expected to disrupt the EB1 and HDLG binding sites, which mediate interactions with the cytoskeleton (PMID: 15311282, 17293347). While functional studies have not been performed to directly test the effect on APC protein function, this suggests that disruption of the C-terminal portion of the protein is functionally important. For these reasons, this variant has been classified as Pathogenic. Algorithms developed to predict the effect of sequence changes on RNA splicing suggest that this variant may create or strengthen a splice site, but this prediction has not been confirmed by published transcriptional studies. This variant has been observed in individual(s) with clinical features of familial adenomatous polyposis (PMID: 19029688, 20223039). This variant is not present in population databases (ExAC no frequency). This sequence change creates a premature translational stop signal (p.Tyr951*) in the APC gene. While this is not anticipated to result in nonsense mediated decay, it is expected to disrupt the last 1893 amino acid(s) of the APC protein.

Literature cited by the submitters: PubMed 19029688 (cited by Ambry Genetics and Labcorp Genetics (formerly Invitae), Labcorp); PubMed 20223039 (cited by Ambry Genetics and Labcorp Genetics (formerly Invitae), Labcorp); PubMed 31269945 (cited by Ambry Genetics); PubMed 9824584 (cited by Labcorp Genetics (formerly Invitae), Labcorp); PubMed 1316610 (cited by Labcorp Genetics (formerly Invitae), Labcorp); PubMed 27081525 (cited by Labcorp Genetics (formerly Invitae), Labcorp); PubMed 8381579 (cited by Labcorp Genetics (formerly Invitae), Labcorp); PubMed 22135120 (cited by Labcorp Genetics (formerly Invitae), Labcorp); PubMed 15311282 (cited by Labcorp Genetics (formerly Invitae), Labcorp); PubMed 17293347 (cited by Labcorp Genetics (formerly Invitae), Labcorp).